The following is an entry in ClinVar:

ClinVar aggregate classification (germline): Likely benign. Review status: criteria provided, multiple submitters, no conflicts (2 of 4 stars). 2 submissions from 2 submitters: Likely benign (2). Last evaluated 2025-02-22.

Conditions:
Inborn genetic diseases. Identifiers: MedGen C0950123, MeSH D030342.

Allele frequency attached by ClinVar (database versions not stated): gnomAD exomes below 0.00001.

Submissions (2):

Ambry Genetics
Classification: Likely benign for Inborn genetic diseases. Last evaluated: 2025-02-22. Review status: criteria provided, single submitter. Criteria: Ambry Variant Classification Scheme 2023. Collection method: clinical testing. Allele origin: germline.

CeGaT Center for Human Genetics Tuebingen
Classification: Likely benign. Last evaluated: 2023-04-01. Review status: criteria provided, single submitter. Criteria: CeGaT Center For Human Genetics Tuebingen Variant Classification Criteria Version 2. Collection method: clinical testing. Allele origin: germline. Affected: yes. Observed: 1 variant allele.
Comment: SAMD9L: PM2:Supporting, BP4, BP7

NM_152703.5(SAMD9L):c.3891T>C (p.Ser1297=)

Gene: SAMD9L (sterile alpha motif domain containing 9 like; minus strand). Cytogenetic location: 7q21.2.
Variant type: single nucleotide variant.
Coding change: c.3891T>C on transcript NM_152703.5 (MANE Select); coding-DNA position 3891, T replaced by C.
Protein change: p.Ser1297=; no amino-acid change (serine 1297 retained).
Molecular consequence: synonymous variant.
Genome position (GRCh38, 1-based): chr7:93,132,081, A>G on the plus strand (T>C on the coding strand, the complement: SAMD9L is on the minus strand). VCF-style: chr7-93132081-A-G. GRCh37 (hg19) VCF-style: chr7-92761394-A-G.
Other names: c.3891T>C, p.Ser1297= (NM_001303496.3, NM_001303497.3, NM_001303498.3 and 5 more transcripts); c.3891T>C (NM_152703.2).
Identifiers: ClinVar variation 2657673 (VCV002657673.25), dbSNP rs2535408280, ClinGen allele CA456627810.